The following is an entry in ClinVar:

NM_000219.6(KCNE1):c.234C>T (p.Phe78=)

Gene: KCNE1 (potassium voltage-gated channel subfamily E regulatory subunit 1; minus strand). Cytogenetic location: 21q22.12.
Variant type: single nucleotide variant.
Coding change: c.234C>T on transcript NM_000219.6 (MANE Select); coding-DNA position 234, C replaced by T.
Protein change: p.Phe78=; no amino-acid change (phenylalanine 78 retained).
Molecular consequence: synonymous variant.
Genome position (GRCh38, 1-based): chr21:34,449,401, G>A on the plus strand (C>T on the coding strand, the complement: KCNE1 is on the minus strand). VCF-style: chr21-34449401-G-A. GRCh37 (hg19) VCF-style: chr21-35821699-G-A.
Other names: c.234C>T, p.Phe78= (NM_001127668.4, NM_001127669.4, NM_001127670.4 and 4 more transcripts).
Identifiers: ClinVar variation 3374399 (VCV003374399.2).
Genomic context (GRCh38, chr21:34,449,401, plus strand): 5'-CCGGGCCTGGACATAGGCCTTGTCCTTCTCTTGCCAGGCATCGGACTCGATGTAGACGTT[G>A]AATGGGTCGTTCGAGTGCTCCAGCTTCTTGGAGCGGATGTAGCTCAGCATGATGCCCAGG-3'
Protein context (NP_000210.2, residues 68-88): SKKLEHSNDP[Phe78=]NVYIESDAWQ

Conditions:
Long QT syndrome 5 (LQT5). Identifiers: Orphanet 101016, Orphanet 768, MedGen C1867904, MONDO:0013372, OMIM 613695.

Submission:

Roden Lab, Vanderbilt University Medical Center
No classification provided (evidence only). Condition: Long QT syndrome 5. Review status: no classification provided. Collection method: in vitro. Allele origin: not applicable. Functional consequence: Effect on ion channel function.
ClinVar note: "not provided" was previously submitted as the classification for the variant. However, the classification appeared to be based only on an observation of functional data so it was converted to no classification on 2025-07-30.